The following is an entry in ClinVar:

NM_005045.4(RELN):c.2895+3_2895+6del

Gene: RELN (reelin; minus strand). Cytogenetic location: 7q22.1.
Variant type: Microsatellite.
Coding change: c.2895+3_2895+6del on transcript NM_005045.4 (MANE Select); bases 3 to 6 of the intron after coding-DNA position 2895, 4 bases deleted (AAGT; older notation c.2895+3_2895+6delAAGT).
Molecular consequence: splice donor variant.
Genome position (GRCh38, 1-based): chr7:103,611,605-103,611,608, ACTT deleted on the plus strand (AAGT on the coding strand, the reverse complement: RELN is on the minus strand); deleting any 4 consecutive bases within chr7:103,611,605-103,611,612 gives the same sequence; the c. name uses the placement nearest the transcript's 3' end. VCF-style (leftmost placement, unchanged base first): chr7-103611604-GACTT-G. GRCh37 (hg19) VCF-style: chr7-103252051-GACTT-G.
Other names: c.2895+3_2895+6del (NM_173054.3).
Identifiers: ClinVar variation 3748334 (VCV003748334.2).
Genomic context (GRCh38, chr7:103,611,604, plus strand): 5'-TTTTTTTGGCTTCCTAGGTAAAAGGCAGAAGGTTACCTGTTACAAGGTTTAAGGAAACTA[GACTT>G]ACTTCTTGGACGAGGTGCCAGGTAAGGCCGTGGTTGGTTGAGTACTCCAGCTTCACCTGG-3'

ClinVar aggregate classification (germline): Uncertain significance (1 of 4 stars; one submission).

Conditions:
Norman-Roberts syndrome (LIS2). Also called: Lissencephaly 2 (Norman-Roberts type). Identifiers: Orphanet 89844, MedGen C0796089, MONDO:0009760, OMIM 257320.
Familial temporal lobe epilepsy 7. Identifiers: Orphanet 101046, MedGen C4225327, MONDO:0014639, OMIM 616436.

Submission:

Labcorp Genetics (formerly Invitae), Labcorp
Classification: Uncertain significance for Familial temporal lobe epilepsy 7; Norman-Roberts syndrome. Last evaluated: 2024-08-14. Review status: criteria provided, single submitter. Criteria: Invitae Variant Classification Sherloc (09022015). Collection method: clinical testing. Allele origin: germline.
Comment: This sequence change falls in intron 21 of the RELN gene. It does not directly change the encoded amino acid sequence of the RELN protein. It affects a nucleotide within the consensus splice site. This variant is not present in population databases (gnomAD no frequency). This variant has not been reported in the literature in individuals affected with RELN-related conditions. Variants that disrupt the consensus splice site are a relatively common cause of aberrant splicing (PMID: 17576681, 9536098). Algorithms developed to predict the effect of sequence changes on RNA splicing suggest that this variant may disrupt the consensus splice site. In summary, the available evidence is currently insufficient to determine the role of this variant in disease. Therefore, it has been classified as a Variant of Uncertain Significance.

Literature cited by the submitters: PubMed 17576681; PubMed 9536098.